The following is an entry in ClinVar:

NM_001008537.3(NEXMIF):c.1569G>A (p.Trp523Ter)

Gene: NEXMIF (neurite extension and migration factor; minus strand). Cytogenetic location: Xq13.3.
Variant type: single nucleotide variant.
Coding change: c.1569G>A on transcript NM_001008537.3 (MANE Select); coding-DNA position 1569, G replaced by A.
Protein change: p.Trp523Ter; replaces tryptophan 523 with a stop codon.
Molecular consequence: nonsense.
Genome position (GRCh38, 1-based): chrX:74,742,988, C>T on the plus strand (G>A on the coding strand, the complement: NEXMIF is on the minus strand). VCF-style: chrX-74742988-C-T. GRCh37 (hg19) VCF-style: chrX-73962823-C-T.
Other names: short protein forms W523*.
Identifiers: ClinVar variation 871568 (VCV000871568.41), dbSNP rs2080112579, ClinGen allele CA413670201.

ClinVar aggregate classification (germline): Pathogenic. Review status: criteria provided, multiple submitters, no conflicts (2 of 4 stars). 2 submissions from 2 submitters: Pathogenic (2). Last evaluated 2025-01-10.

Conditions:
X-linked intellectual disability, Cantagrel type (XLID98). Also called: INTELLECTUAL DEVELOPMENTAL DISORDER, X-LINKED 98. Identifiers: Orphanet 85277, MedGen C3806730, MONDO:0010483, OMIM 300912.

Submissions (2):

Department of Neurology, Zibo Changguo Hospital
Classification: Pathogenic for X-linked intellectual disability, Cantagrel type. Last evaluated: 2025-01-10. Review status: criteria provided, single submitter. Criteria: ACMG Guidelines, 2015. Collection method: clinical testing. Allele origin: de novo. Inheritance: X-linked inheritance. Affected: yes.
Comment: PVS1, PM6, PM2_Supporting

CeGaT Center for Human Genetics Tuebingen
Classification: Pathogenic. Last evaluated: 2019-01-01. Review status: criteria provided, single submitter. Criteria: CeGaT Center For Human Genetics Tuebingen Variant Classification Criteria Version 2. Collection method: clinical testing. Allele origin: germline. Affected: yes. Observed: 1 variant allele.